The following is an entry in ClinVar:

NM_001159773.2(CANT1):c.71dup (p.Leu25fs)

Gene: CANT1 (calcium activated nucleotidase 1; minus strand). Cytogenetic location: 17q25.3.
Variant type: Duplication.
Coding change: c.71dup on transcript NM_001159773.2 (MANE Select); coding-DNA position 71, one base duplicated (G; older notation c.71dupG).
Protein change: p.Leu25fs; shifts the reading frame from leucine 25.
Molecular consequence: frameshift variant.
Genome position (GRCh38, 1-based): chr17:78,997,552, C duplicated on the plus strand (G on the coding strand, the reverse complement: CANT1 is on the minus strand); the first of 6 consecutive C bases (chr17:78,997,552-78,997,557); duplicating any one gives the same sequence. VCF-style (leftmost placement, unchanged base first): chr17-78997551-G-GC. GRCh37 (hg19) VCF-style: chr17-76993633-G-GC.
Other names: c.71dup, p.Leu25fs (NM_001159772.2, NM_138793.4); short protein forms L25fs.
Identifiers: ClinVar variation 1324008 (VCV001324008.8), dbSNP rs763733217, ClinGen allele CA8808830.

ClinVar aggregate classification (germline): Pathogenic/Likely pathogenic. Review status: criteria provided, multiple submitters, no conflicts (2 of 4 stars). 2 submissions from 2 submitters: Pathogenic (1); Likely pathogenic (1). Last evaluated 2024-01-12.

Conditions:
Epiphyseal dysplasia, multiple, 7. Identifiers: Orphanet 647676, MedGen C4540251, MONDO:0054680, OMIM 617719.
Desbuquois dysplasia 1 (DBQD1). Also called: MICROMELIC DWARFISM WITH VERTEBRAL AND METAPHYSEAL ABNORMALITIES AND ADVANCED CARPOTARSAL OSSIFICATION; DESBUQUOIS DYSPLASIA 1, KIM VARIANT. Identifiers: Orphanet 1425, MedGen C4012146, MONDO:0009629, OMIM 251450.

Submissions (2):

Fulgent Genetics
Classification: Likely pathogenic for Desbuquois dysplasia 1; Epiphyseal dysplasia, multiple, 7. Last evaluated: 2024-01-12. Review status: criteria provided, single submitter. Criteria: ACMG Guidelines, 2015. Collection method: clinical testing. Allele origin: germline.

Labcorp Genetics (formerly Invitae), Labcorp
Classification: Pathogenic. Last evaluated: 2023-12-17. Review status: criteria provided, single submitter. Criteria: Invitae Variant Classification Sherloc (09022015). Collection method: clinical testing. Allele origin: germline.
Comment: This sequence change creates a premature translational stop signal (p.Leu25Profs*65) in the CANT1 gene. It is expected to result in an absent or disrupted protein product. Loss-of-function variants in CANT1 are known to be pathogenic (PMID: 19853239, 21037275, 22539336). This variant is present in population databases (rs763733217, gnomAD 0.005%). This variant has not been reported in the literature in individuals affected with CANT1-related conditions. ClinVar contains an entry for this variant (Variation ID: 1324008). For these reasons, this variant has been classified as Pathogenic.

Literature cited by the submitters: PubMed 19853239 (cited by Labcorp Genetics (formerly Invitae), Labcorp); PubMed 21037275 (cited by Labcorp Genetics (formerly Invitae), Labcorp); PubMed 22539336 (cited by Labcorp Genetics (formerly Invitae), Labcorp).